The following is an entry in ClinVar:

ClinVar aggregate classification (germline): Conflicting classifications of pathogenicity. Review status: criteria provided, conflicting classifications (1 of 4 stars). 3 submissions from 3 submitters: Uncertain significance (2); Likely benign (1). Last evaluated 2025-11-18.

Conditions:
NOTCH2-related disorder. Also called: NOTCH2-related condition.
Hajdu-Cheney syndrome (HJCYS). Also called: SERPENTINE FIBULA-POLYCYSTIC KIDNEY SYNDROME; ACROOSTEOLYSIS WITH OSTEOPOROSIS AND CHANGES IN SKULL AND MANDIBLE; Acroosteolysis dominant type. Identifiers: Orphanet 955, MedGen C0917715, MONDO:0007057, OMIM 102500.

Allele frequency attached by ClinVar (database versions not stated): ExAC 0.00002; gnomAD 0.00005; TOPMed 0.00005; gnomAD exomes 0.00008.
gnomAD v4.1: 123 of 1,614,014 alleles (0.0076%); highest among the groups gnomAD compares: Non-Finnish European, 0.01%; no homozygotes.

Submissions (3):

PreventionGenetics, part of Exact Sciences
Classification: Uncertain significance for NOTCH2-related condition. Last evaluated: 2025-11-18. Review status: criteria provided, single submitter. Criteria: ACMG Guidelines, 2015. Collection method: clinical testing. Allele origin: germline.
Comment: The NOTCH2 c.2292T>A variant is predicted to result in the amino acid substitution p.Asn764Lys. This variant has been reported in an individual with early-onset breast cancer, but it is unclear if it was a primary cause of disease (Torrezan et al. 2018. PubMed ID: 29868112). This variant is reported in 0.0077% of alleles in individuals of European (Non-Finnish) descent in gnomAD. At this time, the clinical significance of this variant is uncertain due to the absence of conclusive functional and genetic evidence.

Labcorp Genetics (formerly Invitae), Labcorp
Classification: Uncertain significance for Hajdu-Cheney syndrome. Last evaluated: 2025-11-17. Review status: criteria provided, single submitter. Criteria: Invitae Variant Classification Sherloc (09022015). Collection method: clinical testing. Allele origin: germline.
Comment: This sequence change replaces asparagine, which is neutral and polar, with lysine, which is basic and polar, at codon 764 of the NOTCH2 protein (p.Asn764Lys). This variant is present in population databases (rs782404180, gnomAD 0.007%). This variant has not been reported in the literature in individuals affected with NOTCH2-related conditions. ClinVar contains an entry for this variant (Variation ID: 2151894). Invitae Evidence Modeling of protein sequence and biophysical properties (such as structural, functional, and spatial information, amino acid conservation, physicochemical variation, residue mobility, and thermodynamic stability) indicates that this missense variant is not expected to disrupt NOTCH2 protein function with a negative predictive value of 80%. In summary, the available evidence is currently insufficient to determine the role of this variant in disease. Therefore, it has been classified as a Variant of Uncertain Significance.

Blueprint Genetics
Classification: Likely benign. Last evaluated: 2024-02-12. Review status: criteria provided, single submitter. Criteria: ACMG Guidelines, 2015. Collection method: clinical testing. Allele origin: germline.

NM_024408.4(NOTCH2):c.2292T>A (p.Asn764Lys)

Gene: NOTCH2 (notch receptor 2; minus strand). Cytogenetic location: 1p12.
Variant type: single nucleotide variant.
Coding change: c.2292T>A on transcript NM_024408.4 (MANE Select); coding-DNA position 2292, T replaced by A.
Protein change: p.Asn764Lys; replaces asparagine 764 with lysine.
Molecular consequence: missense variant.
Genome position (GRCh38, 1-based): chr1:119,953,616, A>T on the plus strand (T>A on the coding strand, the complement: NOTCH2 is on the minus strand). VCF-style: chr1-119953616-A-T. GRCh37 (hg19) VCF-style: chr1-120496239-A-T.
Other names: c.2292T>A (NM_024408.3); c.2292T>A, p.Asn764Lys (NM_001200001.2); short protein forms N764K.
Identifiers: ClinVar variation 2151894 (VCV002151894.6), dbSNP rs782404180, ClinGen allele CA1040340.